The following is an entry in ClinVar:

ClinVar aggregate classification (germline): Uncertain significance (1 of 4 stars; one submission).

Conditions:
Syndromic multisystem autoimmune disease due to ITCH deficiency. Also called: AUTOIMMUNE DISEASE, MULTISYSTEM, WITH FACIAL DYSMORPHISM. Identifiers: Orphanet 228426, MedGen C3150649, MONDO:0013245, OMIM 613385.

Allele frequency attached by ClinVar (database versions not stated): ExAC 0.00003; gnomAD exomes 0.00003 and 0.00006; ESP Exome Variant Server 0.00008; TOPMed 0.00017; gnomAD 0.00018 and 0.00019.
gnomAD v4.1: 73 of 1,610,816 alleles (0.0045%); highest among the groups gnomAD compares: African/African-American, 0.048%; no homozygotes.

Submission:

Labcorp Genetics (formerly Invitae), Labcorp
Classification: Uncertain significance for Syndromic multisystem autoimmune disease due to ITCH deficiency. Last evaluated: 2024-07-01. Review status: criteria provided, single submitter. Criteria: Invitae Variant Classification Sherloc (09022015). Collection method: clinical testing. Allele origin: germline.
Comment: This sequence change replaces isoleucine, which is neutral and non-polar, with valine, which is neutral and non-polar, at codon 639 of the ITCH protein (p.Ile639Val). This variant is present in population databases (rs139633287, gnomAD 0.05%). This variant has not been reported in the literature in individuals affected with ITCH-related conditions. ClinVar contains an entry for this variant (Variation ID: 582399). An algorithm developed to predict the effect of missense changes on protein structure and function (PolyPhen-2) suggests that this variant¬†is likely to be tolerated. In summary, the available evidence is currently insufficient to determine the role of this variant in disease. Therefore, it has been classified as a Variant of Uncertain Significance.

NM_031483.7(ITCH):c.1915A>G (p.Ile639Val)

Gene: ITCH (itchy E3 ubiquitin protein ligase; plus strand). Cytogenetic location: 20q11.22.
Variant type: single nucleotide variant.
Coding change: c.1915A>G on transcript NM_031483.7 (MANE Select); coding-DNA position 1915, A replaced by G.
Protein change: p.Ile639Val; replaces isoleucine 639 with valine.
Molecular consequence: missense variant.
Genome position (GRCh38, 1-based): chr20:34,480,695, A>G. VCF-style: chr20-34480695-A-G. GRCh37 (hg19) VCF-style: chr20-33068500-A-G.
Other names: c.2038A>G, p.Ile680Val (NM_001257137.3, NM_001324197.2); c.1585A>G, p.Ile529Val (NM_001257138.3); c.1915A>G, p.Ile639Val (NM_001324198.2); short protein forms I639V, I529V, I680V.
Identifiers: ClinVar variation 582399 (VCV000582399.5), dbSNP rs139633287, ClinGen allele CA9821839.
Genomic context (GRCh38, chr20:34,480,695, plus strand): 5'-TCTTTACCATTCTATAAGCGTATCTTGAACAAACCAGTTGGACTCAAGGATTTAGAATCT[A>G]TTGATCCAGAATTTTACAATTCTCTCATCTGGGTTAAGTAAGTTTCTTTTTCCATGTAAT-3'
Protein context (NP_113671.3, residues 629-649): KPVGLKDLES[Ile639Val]DPEFYNSLIW